The following is an entry in ClinVar:

NM_014714.4(IFT140):c.2067+4C>T

Gene: IFT140 (intraflagellar transport 140; minus strand). Cytogenetic location: 16p13.3.
Variant type: single nucleotide variant.
Coding change: c.2067+4C>T on transcript NM_014714.4 (MANE Select); 4 bases into the intron after coding-DNA position 2067, C replaced by T.
Molecular consequence: intron variant.
Genome position (GRCh38, 1-based): chr16:1,563,993, G>A on the plus strand (C>T on the coding strand, the complement: IFT140 is on the minus strand). VCF-style: chr16-1563993-G-A. GRCh37 (hg19) VCF-style: chr16-1613994-G-A.
Identifiers: ClinVar variation 956264 (VCV000956264.10), dbSNP rs111785408, ClinGen allele CA7814029.

ClinVar aggregate classification (germline): Conflicting classifications of pathogenicity. Review status: criteria provided, conflicting classifications (1 of 4 stars). 5 submissions from 5 submitters: Uncertain significance (2); Likely benign (1). 2 of the submissions do not count toward it. Last evaluated 2024-09-15.

Conditions:
Saldino-Mainzer syndrome (SRTD9). Also called: Renal dysplasia, retinal pigmentary dystrophy, cerebellar ataxia and skeletal dysplasia; SHORT-RIB THORACIC DYSPLASIA 9 WITHOUT POLYDACTYLY; CONORENAL SYNDROME; short-rib thoracic dysplasia 9 with or without polydactyly. Identifiers: Orphanet 140969, MedGen C1849437, MONDO:0009964, OMIM 266920.

Allele frequency attached by ClinVar (database versions not stated): ESP Exome Variant Server 0.00008; gnomAD 0.00008; TOPMed 0.00011.
gnomAD v4.1: 343 of 1,568,100 alleles (0.022%); highest among the groups gnomAD compares: East Asian, 0.06%; no homozygotes.

Submissions (5):

Women's Health and Genetics/Laboratory Corporation of America, LabCorp
Classification: Uncertain significance. Last evaluated: 2024-09-15. Review status: criteria provided, single submitter. Criteria: LabCorp Variant Classification Summary - May 2015. Collection method: clinical testing. Allele origin: germline.

Blueprint Genetics
Classification: Likely benign. Last evaluated: 2024-07-11. Review status: criteria provided, single submitter. Criteria: ACMG Guidelines, 2015. Collection method: clinical testing. Allele origin: germline.

Labcorp Genetics (formerly Invitae), Labcorp
Classification: Uncertain significance for Saldino-Mainzer syndrome. Last evaluated: 2022-11-03. Review status: criteria provided, single submitter. Criteria: Invitae Variant Classification Sherloc (09022015). Collection method: clinical testing. Allele origin: germline.
Comment: This sequence change falls in intron 17 of the IFT140 gene. It does not directly change the encoded amino acid sequence of the IFT140 protein. It affects a nucleotide within the consensus splice site. This variant is present in population databases (rs111785408, gnomAD 0.07%). This variant has not been reported in the literature in individuals affected with IFT140-related conditions. ClinVar contains an entry for this variant (Variation ID: 956264). Variants that disrupt the consensus splice site are a relatively common cause of aberrant splicing (PMID: 17576681, 9536098). Algorithms developed to predict the effect of sequence changes on RNA splicing suggest that this variant is not likely to affect RNA splicing. In summary, the available evidence is currently insufficient to determine the role of this variant in disease. Therefore, it has been classified as a Variant of Uncertain Significance.

Clinical Genetics DNA and cytogenetics Diagnostics Lab, Erasmus MC, Erasmus Medical Center
Classification: Likely benign. Review status: no assertion criteria provided. Collection method: clinical testing. Allele origin: germline. Affected: yes. Study: VKGL Data-share Consensus. Not counted in ClinVar's aggregate classification.

Clinical Genetics, Academic Medical Center
Classification: Benign. Review status: no assertion criteria provided. Collection method: clinical testing. Allele origin: germline. Affected: yes. Study: VKGL Data-share Consensus. Not counted in ClinVar's aggregate classification.

Literature cited by the submitters: PubMed 17576681 (cited by Labcorp Genetics (formerly Invitae), Labcorp); PubMed 9536098 (cited by Labcorp Genetics (formerly Invitae), Labcorp).